The following is an entry in ClinVar:

NM_007129.5(ZIC2):c.543C>G (p.Leu181=)

Gene: ZIC2 (Zic family zinc finger 2; plus strand). Cytogenetic location: 13q32.3.
Variant type: single nucleotide variant.
Coding change: c.543C>G on transcript NM_007129.5 (MANE Select); coding-DNA position 543, C replaced by G.
Protein change: p.Leu181=; no amino-acid change (leucine 181 retained).
Molecular consequence: synonymous variant.
Genome position (GRCh38, 1-based): chr13:99,982,607, C>G. VCF-style: chr13-99982607-C-G. GRCh37 (hg19) VCF-style: chr13-100634861-C-G.
Other names: c.543C>G (NM_007129.3).
Identifiers: ClinVar variation 2171509 (VCV002171509.7), dbSNP rs572196596, ClinGen allele CA7032815.
Genomic context (GRCh38, chr13:99,982,607, plus strand): 5'-CCTGCCAGAGCAGCACGGGCCGCACGGCTCGCAGAATGTGCTCAACGGGCAGATGCGCCT[C>G]GGGCTGCCCGGCGAGGTGTTCGGGCGCTCGGAGCAATACCGCCAGGTGGCCAGCCCGCGG-3'
Protein context (NP_009060.2, residues 171-191): SQNVLNGQMR[Leu181=]GLPGEVFGRS

ClinVar aggregate classification (germline): Likely benign. Review status: criteria provided, multiple submitters, no conflicts (2 of 4 stars). 3 submissions from 3 submitters: Likely benign (2). 1 of the submissions does not count toward it. Last evaluated 2025-11-09.

Conditions:
Holoprosencephaly 5 (HPE5). Identifiers: Orphanet 2162, MedGen C1864827, MONDO:0012322, OMIM 609637.
ZIC2-related disorder. Also called: ZIC2-related condition.

gnomAD v4.1: 119 of 1,584,728 alleles (0.0075%); highest among the groups gnomAD compares: Non-Finnish European, 0.0095%; no homozygotes.

Submissions (3):

Labcorp Genetics (formerly Invitae), Labcorp
Classification: Likely benign for Holoprosencephaly 5. Last evaluated: 2025-11-09. Review status: criteria provided, single submitter. Criteria: Invitae Variant Classification Sherloc (09022015). Collection method: clinical testing. Allele origin: germline.

Blueprint Genetics
Classification: Likely benign. Last evaluated: 2019-10-10. Review status: criteria provided, single submitter. Criteria: ACMG Guidelines, 2015. Collection method: clinical testing. Allele origin: germline.

PreventionGenetics, part of Exact Sciences
Classification: Likely benign for ZIC2-related condition. Last evaluated: 2021-04-27. Review status: no assertion criteria provided. Collection method: clinical testing. Allele origin: germline. Not counted in ClinVar's aggregate classification.
Comment: This variant is classified as likely benign based on ACMG/AMP sequence variant interpretation guidelines (Richards et al. 2015 PMID: 25741868, with internal and published modifications).